The following is an entry in ClinVar:

ClinVar aggregate classification (germline): Benign/Likely benign. Review status: criteria provided, multiple submitters, no conflicts (2 of 4 stars). 3 submissions from 3 submitters: Benign (2); Likely benign (1). Last evaluated 2026-03-29.

Conditions:
APC-related disorder. Also called: APC-related condition.

Allele frequency attached by ClinVar (database versions not stated): 1000 Genomes Project 0.06430; gnomAD 0.07502 and 0.07510; 1000 Genomes Project 30x 0.06277; TOPMed 0.07253.
gnomAD v4.1: 11,450 of 152,140 alleles (7.5%); highest among the groups gnomAD compares: Middle Eastern, 14%; 471 homozygotes.

Submissions (3):

PreventionGenetics, part of Exact Sciences
Classification: Benign for APC-related condition. Last evaluated: 2026-03-29. Review status: criteria provided, single submitter. Criteria: ACMG Guidelines, 2015. Collection method: clinical testing. Allele origin: germline.
Comment: This variant is classified as benign based on ACMG/AMP sequence variant interpretation guidelines (Richards et al. 2015 PMID: 25741868, with internal and published modifications).

Blueprint Genetics
Classification: Likely benign. Last evaluated: 2024-11-26. Review status: criteria provided, single submitter. Criteria: ACMG Guidelines, 2015. Collection method: clinical testing. Allele origin: germline.

GeneDx
Classification: Benign. Last evaluated: 2016-11-25. Review status: criteria provided, single submitter. Criteria: GeneDx Variant Classification (06012015). Collection method: clinical testing. Allele origin: germline. Affected: yes.
Comment: This variant is considered likely benign or benign based on one or more of the following criteria: it is a conservative change, it occurs at a poorly conserved position in the protein, it is predicted to be benign by multiple in silico algorithms, and/or has population frequency not consistent with disease.

NM_001127511.3(APC):c.166-29134C>T

Gene: APC (APC regulator of Wnt signaling pathway; plus strand). Cytogenetic location: 5q22.2.
Variant type: single nucleotide variant.
Coding change: c.166-29134C>T on transcript NM_001127511.3; 29134 bases into the intron before coding-DNA position 166, C replaced by T.
Molecular consequence: intron variant.
Genome position (GRCh38, 1-based): chr5:112,737,192, C>T. VCF-style: chr5-112737192-C-T. GRCh37 (hg19) VCF-style: chr5-112072889-C-T.
Other names: c.-1053-17681C>T (NM_001407470.1, NM_001407472.1); c.-18-17681C>T (NM_001407447.1, NM_001354895.2, NM_001407456.1 and 7 more transcripts); c.166-29134C>T (NM_001407446.1, NM_001354897.2, NM_001354902.2); c.-42-29134C>T (NM_001407453.1).
Identifiers: ClinVar variation 386419 (VCV000386419.5), dbSNP rs2439593, ClinGen allele CA16604638.